The following is an entry in ClinVar:

ClinVar aggregate classification (germline): Likely benign. Review status: criteria provided, multiple submitters, no conflicts (2 of 4 stars). 2 submissions from 2 submitters: Likely benign (2). Last evaluated 2024-08-23.

Conditions:
Familial thoracic aortic aneurysm and aortic dissection (TAAD). Also called: Thoracic aortic aneurysms and dissections. Identifiers: Orphanet 91387, MedGen C4707243, MONDO:0019625.
Aortic aneurysm, familial thoracic 4 (AAT4). Also called: AORTIC ANEURYSM/AORTIC DISSECTION AND PATENT DUCTUS ARTERIOSUS. Identifiers: MedGen C1851504, MONDO:0007568, OMIM 132900.

Allele frequency attached by ClinVar (database versions not stated): gnomAD exomes below 0.00001.
gnomAD v4.1: 4 of 1,614,236 alleles (0.00025%); highest among the groups gnomAD compares: Non-Finnish European, 0.00034%; no homozygotes.

Submissions (2):

All of Us Research Program, National Institutes of Health
Classification: Likely benign for Familial thoracic aortic aneurysm and aortic dissection. Last evaluated: 2024-08-23. Review status: criteria provided, single submitter. Criteria: ACMG Guidelines, 2015. Collection method: clinical testing. Allele origin: germline. Inheritance: Autosomal dominant inheritance. Observed: 1 variant allele, 1 heterozygote.
Comment: This study involves interpretation of variants in research participants for the purpose of population health screening. Participant phenotype was not available at the time of variant classification. Additional details can be found in publication PMID: 35346344, PMCID: PMC8962531

Labcorp Genetics (formerly Invitae), Labcorp
Classification: Likely benign for Aortic aneurysm, familial thoracic 4. Last evaluated: 2020-12-12. Review status: criteria provided, single submitter. Criteria: Invitae Variant Classification Sherloc (09022015). Collection method: clinical testing. Allele origin: germline.

NM_002474.3(MYH11):c.3522G>A (p.Gln1174=)

Gene: MYH11 (myosin heavy chain 11; minus strand). Cytogenetic location: 16p13.11.
Variant type: single nucleotide variant.
Coding change: c.3522G>A on transcript NM_002474.3 (MANE Select); coding-DNA position 3522, G replaced by A.
Protein change: p.Gln1174=; no amino-acid change (glutamine 1174 retained).
Molecular consequence: synonymous variant.
Genome position (GRCh38, 1-based): chr16:15,732,693, C>T on the plus strand (G>A on the coding strand, the complement: MYH11 is on the minus strand). VCF-style: chr16-15732693-C-T. GRCh37 (hg19) VCF-style: chr16-15826550-C-T.
Other names: c.3543G>A, p.Gln1181= (NM_001040113.2, NM_001040114.2); c.3522G>A, p.Gln1174= (NM_022844.3).
Identifiers: ClinVar variation 1657984 (VCV001657984.9), dbSNP rs1274315373, ClinGen allele CA493771485.